The following is an entry in ClinVar:

ClinVar aggregate classification (germline): Uncertain significance (0 of 4 stars; one submission).

Conditions:
CEP290-related disorder. Also called: CEP290-related condition; CEP290-related disorders. Identifiers: MedGen CN239314.

Submission:

PreventionGenetics, part of Exact Sciences
Classification: Uncertain significance for CEP290-related condition. Last evaluated: 2024-04-22. Review status: no assertion criteria provided. Collection method: clinical testing. Allele origin: germline.
Comment: The CEP290 c.2416G>A variant is predicted to result in the amino acid substitution p.Glu806Lys. To our knowledge, this variant has not been reported in the literature or in a large population database, indicating this variant is rare. At this time, the clinical significance of this variant is uncertain due to the absence of conclusive functional and genetic evidence.

NM_025114.4(CEP290):c.2416G>A (p.Glu806Lys)

Gene: CEP290 (centrosomal protein 290; minus strand). Cytogenetic location: 12q21.32.
Variant type: single nucleotide variant.
Coding change: c.2416G>A on transcript NM_025114.4 (MANE Select); coding-DNA position 2416, G replaced by A.
Protein change: p.Glu806Lys; replaces glutamic acid 806 with lysine.
Molecular consequence: missense variant.
Genome position (GRCh38, 1-based): chr12:88,109,133, C>T on the plus strand (G>A on the coding strand, the complement: CEP290 is on the minus strand). VCF-style: chr12-88109133-C-T. GRCh37 (hg19) VCF-style: chr12-88502910-C-T.
Other names: short protein forms E806K.
Identifiers: ClinVar variation 3345088 (VCV003345088.1).